The following is an entry in ClinVar:

ClinVar aggregate classification (germline): Uncertain significance (1 of 4 stars; one submission).

Conditions:
Congenital sideroblastic anemia-B-cell immunodeficiency-periodic fever-developmental delay syndrome. Also called: Sideroblastic anemia with B-cell immunodeficiency, periodic fevers, and developmental delay. Identifiers: Orphanet 369861, MedGen C4015172, MONDO:0014487, OMIM 616084.

Allele frequency attached by ClinVar (database versions not stated): gnomAD 0.00001; gnomAD exomes 0.00001; TOPMed 0.00001; ExAC 0.00002.
gnomAD v4.1: 7 of 1,614,038 alleles (0.00043%); highest among the groups gnomAD compares: Admixed American, 0.012%; no homozygotes.

Submission:

Labcorp Genetics (formerly Invitae), Labcorp
Classification: Uncertain significance for Congenital sideroblastic anemia-B-cell immunodeficiency-periodic fever-developmental delay syndrome. Last evaluated: 2022-07-26. Review status: criteria provided, single submitter. Criteria: Invitae Variant Classification Sherloc (09022015). Collection method: clinical testing. Allele origin: germline.
Comment: This sequence change replaces threonine, which is neutral and polar, with alanine, which is neutral and non-polar, at codon 131 of the TRNT1 protein (p.Thr131Ala). In summary, the available evidence is currently insufficient to determine the role of this variant in disease. Therefore, it has been classified as a Variant of Uncertain Significance. Algorithms developed to predict the effect of missense changes on protein structure and function are either unavailable or do not agree on the potential impact of this missense change (SIFT: "Tolerated"; PolyPhen-2: "Probably Damaging"; Align-GVGD: "Class C0"). This variant has not been reported in the literature in individuals affected with TRNT1-related conditions. This variant is present in population databases (rs762475113, gnomAD 0.02%).

NM_182916.3(TRNT1):c.391A>G (p.Thr131Ala)

Gene: TRNT1 (tRNA nucleotidyl transferase 1; plus strand). Cytogenetic location: 3p26.2.
Variant type: single nucleotide variant.
Coding change: c.391A>G on transcript NM_182916.3 (MANE Select); coding-DNA position 391, A replaced by G.
Protein change: p.Thr131Ala; replaces threonine 131 with alanine.
Molecular consequence: missense variant. On other transcripts: non-coding transcript variant (6).
Genome position (GRCh38, 1-based): chr3:3,140,558, A>G. VCF-style: chr3-3140558-A-G. GRCh37 (hg19) VCF-style: chr3-3182242-A-G.
Other names: c.391A>G, p.Thr131Ala (NM_001302946.2, NM_001367321.1, NM_001367322.1 and 1 more transcripts); short protein forms T131A.
Identifiers: ClinVar variation 2001766 (VCV002001766.2), dbSNP rs762475113, ClinGen allele CA2228636.
Genomic context (GRCh38, chr3:3,140,558, plus strand): 5'-ATTTAATTGCAGCTTCATGAAGAAAATTTTGAGATTACTACACTACGGATTGATGTCACC[A>G]CTGATGGAAGACATGCTGAGGTAGAATTTACAACTGACTGGCAGAAAGATGCGGAACGCA-3'
Protein context (NP_886552.3, residues 121-141): EITTLRIDVT[Thr131Ala]DGRHAEVEFT